The following is an entry in ClinVar:

ClinVar aggregate classification (germline): Uncertain significance. Review status: criteria provided, multiple submitters, no conflicts (2 of 4 stars). 2 submissions from 2 submitters: Uncertain significance (2). Last evaluated 2026-03-24.

Conditions:
Cardiovascular phenotype. Identifiers: MedGen CN230736.
Hypoalphalipoproteinemia, primary, 1. Identifiers: Orphanet 425, MedGen C5231558, MONDO:0011393, OMIM 604091.
Tangier disease (TGD). Also called: HIGH DENSITY LIPOPROTEIN DEFICIENCY, TANGIER TYPE; HIGH DENSITY LIPOPROTEIN DEFICIENCY, TYPE 1; Cholesterol thesaurismosis. Identifiers: Orphanet 31150, MedGen C0039292, MONDO:0008783, OMIM 205400.

Allele frequency attached by ClinVar (database versions not stated): TOPMed 0.00006; ESP Exome Variant Server 0.00015; gnomAD 0.00003.
gnomAD v4.1: 44 of 1,613,918 alleles (0.0027%); highest among the groups gnomAD compares: Admixed American, 0.0083%; no homozygotes.

Submissions (2):

Ambry Genetics
Classification: Uncertain significance for Cardiovascular phenotype. Last evaluated: 2026-03-24. Review status: criteria provided, single submitter. Criteria: Ambry Variant Classification Scheme 2023. Collection method: clinical testing. Allele origin: germline.
Comment: The p.R999C variant (also known as c.2995C>T), located in coding exon 20 of the ABCA1 gene, results from a C to T substitution at nucleotide position 2995. The arginine at codon 999 is replaced by cysteine, an amino acid with highly dissimilar properties. This variant was reported in a carrier with an HDL-C of 42 mg/dl (Peloso GM et al. Eur J Hum Genet, 2016 Jun;24:924-30). This amino acid position is well conserved in available vertebrate species. In addition, the in silico prediction for this alteration is inconclusive. Based on the available evidence, the clinical significance of this variant remains unclear.

New York Genome Center
Classification: Uncertain significance for Hypoalphalipoproteinemia, primary, 1; Tangier disease. Last evaluated: 2021-05-17. Review status: criteria provided, single submitter. Criteria: NYGC Assertion Criteria 2020. Collection method: clinical testing. Allele origin: germline. Observed: 1 heterozygote.
Comment: The c.2995C>T (p.Arg999Cys) variant in exon 21 of 50 of ABCA1 has not been reported in affected individuals. This variant is present in gnomADv3 at a low frequency [11/251450 alleles (heterozygotes), allele frequency = 0.00004375, no homozygotes] suggesting it is not a common benign variant in the populations represented in this database. In silico predictors suggest this variant is Damaging (SIFT score: 0.015) and Benign (REVEL score: 0.578). Given the conflicting evidence regarding its pathogenicity, the c.2995C>T (p.Arg999Cys) variant identified in the ABCA1 gene is classified as a variant of uncertain significance.

Literature cited by the submitters: PubMed 26350511 (cited by Ambry Genetics).

NM_005502.4(ABCA1):c.2995C>T (p.Arg999Cys)

Gene: ABCA1 (ATP binding cassette subfamily A member 1; minus strand). Cytogenetic location: 9q31.1.
Variant type: single nucleotide variant.
Coding change: c.2995C>T on transcript NM_005502.4 (MANE Select); coding-DNA position 2995, C replaced by T.
Protein change: p.Arg999Cys; replaces arginine 999 with cysteine.
Molecular consequence: missense variant.
Genome position (GRCh38, 1-based): chr9:104,820,035, G>A on the plus strand (C>T on the coding strand, the complement: ABCA1 is on the minus strand). VCF-style: chr9-104820035-G-A. GRCh37 (hg19) VCF-style: chr9-107582316-G-A.
Other names: c.2995C>T (NM_005502.3); short protein forms R999C.
Identifiers: ClinVar variation 1803816 (VCV001803816.3), dbSNP rs138735406, ClinGen allele CA5168578.